The following is an entry in ClinVar:

ClinVar aggregate classification (germline): Likely benign (0 of 4 stars; one submission).

Conditions:
ANKS6-related disorder. Also called: ANKS6-related condition.

gnomAD v4.1: 1 of 1,559,050 alleles (0.000064%); no homozygotes.

Submission:

PreventionGenetics, part of Exact Sciences
Classification: Likely benign for ANKS6-related condition. Last evaluated: 2019-05-02. Review status: no assertion criteria provided. Collection method: clinical testing. Allele origin: germline.
Comment: This variant is classified as likely benign based on ACMG/AMP sequence variant interpretation guidelines (Richards et al. 2015 PMID: 25741868, with internal and published modifications).

NM_173551.5(ANKS6):c.858A>G (p.Lys286=)

Gene: ANKS6 (ankyrin repeat and sterile alpha motif domain containing 6; minus strand). Cytogenetic location: 9q22.33.
Variant type: single nucleotide variant.
Coding change: c.858A>G on transcript NM_173551.5 (MANE Select); coding-DNA position 858, A replaced by G.
Protein change: p.Lys286=; no amino-acid change (lysine 286 retained).
Molecular consequence: synonymous variant.
Genome position (GRCh38, 1-based): chr9:98,790,108, T>C on the plus strand (A>G on the coding strand, the complement: ANKS6 is on the minus strand). VCF-style: chr9-98790108-T-C. GRCh37 (hg19) VCF-style: chr9-101552390-T-C.
Identifiers: ClinVar variation 3037747 (VCV003037747.2), dbSNP rs768778932, ClinGen allele CA466647063.